The following is an entry in ClinVar:

ClinVar aggregate classification (germline): Uncertain significance (1 of 4 stars; one submission).

gnomAD v4.1: 1 of 1,211,030 alleles (0.000083%); no homozygotes.

Submission:

GeneDx
Classification: Uncertain significance. Last evaluated: 2024-02-13. Review status: criteria provided, single submitter. Criteria: GeneDx Variant Classification Process June 2021. Collection method: clinical testing. Allele origin: germline. Affected: yes.
Comment: Has not been previously published as pathogenic or benign to our knowledge; Not observed at significant frequency in large population cohorts (gnomAD); In silico analysis suggests this variant may impact gene splicing. In the absence of RNA/functional studies, the actual effect of this sequence change is unknown.

NM_001110556.2(FLNA):c.3921C>G (p.Thr1307=)

Gene: FLNA (filamin A; minus strand). Cytogenetic location: Xq28.
Variant type: single nucleotide variant.
Coding change: c.3921C>G on transcript NM_001110556.2 (MANE Select); coding-DNA position 3921, C replaced by G.
Protein change: p.Thr1307=; no amino-acid change (threonine 1307 retained).
Molecular consequence: synonymous variant.
Genome position (GRCh38, 1-based): chrX:154,359,790, G>C on the plus strand (C>G on the coding strand, the complement: FLNA is on the minus strand). VCF-style: chrX-154359790-G-C. GRCh37 (hg19) VCF-style: chrX-153588158-G-C.
Other names: c.3921C>G, p.Thr1307= (NM_001456.4).
Identifiers: ClinVar variation 3369194 (VCV003369194.1).